The following is an entry in ClinVar:

NM_001111.5(ADAR):c.2496+8C>T

Gene: ADAR (adenosine deaminase RNA specific; minus strand). Cytogenetic location: 1q21.3.
Variant type: single nucleotide variant.
Coding change: c.2496+8C>T on transcript NM_001111.5 (MANE Select); 8 bases into the intron after coding-DNA position 2496, C replaced by T.
Molecular consequence: intron variant.
Genome position (GRCh38, 1-based): chr1:154,590,176, G>A on the plus strand (C>T on the coding strand, the complement: ADAR is on the minus strand). VCF-style: chr1-154590176-G-A. GRCh37 (hg19) VCF-style: chr1-154562652-G-A.
Other names: c.1611+8C>T (NM_001365046.1, NM_001025107.3, NM_001365048.1 and 2 more transcripts); c.2523+8C>T (NM_001365045.1); c.1533+86C>T (NM_001365049.1); c.2361+86C>T (NM_015841.4); c.2418+86C>T (NM_015840.4).
Identifiers: ClinVar variation 875379 (VCV000875379.14), dbSNP rs770464278, ClinGen allele CA1131288.

ClinVar aggregate classification (germline): Benign/Likely benign. Review status: criteria provided, multiple submitters, no conflicts (2 of 4 stars). 4 submissions from 4 submitters: Benign (2); Likely benign (2). Last evaluated 2025-10-23.

Conditions:
Symmetrical dyschromatosis of extremities (DSH). Also called: RETICULATE ACROPIGMENTATION OF DOHI; SYMMETRIC DYSCHROMATOSIS OF THE EXTREMITIES; DYSCHROMATOSIS SYMMETRICA HEREDITARIA 1; Dyschromatosis symmetrica hereditaria. Identifiers: Orphanet 41, MedGen C0406775, MONDO:0007483, OMIM 127400.
Aicardi-Goutieres syndrome 6 (AGS6). Identifiers: Orphanet 51, MedGen C3539013, MONDO:0014007, OMIM 615010.

Allele frequency attached by ClinVar (database versions not stated): gnomAD 0.00001; ExAC 0.00002; gnomAD exomes 0.00002 and 0.00003.
gnomAD v4.1: 39 of 1,591,486 alleles (0.0025%); highest among the groups gnomAD compares: Admixed American, 0.01%; no homozygotes.

Submissions (4):

Labcorp Genetics (formerly Invitae), Labcorp
Classification: Likely benign for Aicardi-Goutieres syndrome 6; Symmetrical dyschromatosis of extremities. Last evaluated: 2025-10-23. Review status: criteria provided, single submitter. Criteria: Invitae Variant Classification Sherloc (09022015). Collection method: clinical testing. Allele origin: germline.

Genome-Nilou Lab
Classification: Benign for Aicardi-Goutieres syndrome 6. Last evaluated: 2023-04-11. Review status: criteria provided, single submitter. Criteria: ACMG Guidelines, 2015. Collection method: clinical testing. Allele origin: germline. Affected: no.

Blueprint Genetics
Classification: Likely benign. Last evaluated: 2022-02-21. Review status: criteria provided, single submitter. Criteria: ACMG Guidelines, 2015. Collection method: clinical testing. Allele origin: germline.

Illumina Laboratory Services, Illumina
Classification: Benign for Symmetrical dyschromatosis of extremities. Last evaluated: 2018-01-12. Review status: criteria provided, single submitter. Criteria: ICSL Variant Classification Criteria 13 December 2019. Collection method: clinical testing. Allele origin: germline.
Comment: This variant was observed in the ICSL laboratory as part of a predisposition screen in an ostensibly healthy population. It had not been previously curated by ICSL or reported in the Human Gene Mutation Database (HGMD: prior to June 1st, 2018), and was therefore a candidate for classification through an automated scoring system. Utilizing variant allele frequency, disease prevalence and penetrance estimates, and inheritance mode, an automated score was calculated to assess if this variant is too frequent to cause the disease. Based on the score and internal cut-off values, a variant classified as benign is not then subjected to further curation. The score for this variant resulted in a classification of benign for this disease.